The following is an entry in ClinVar:

NM_004092.4(ECHS1):c.19C>T (p.Leu7=)

Genes: ECHS1 (enoyl-CoA hydratase, short chain 1; minus strand), LOC130005023 (ATAC-STARR-seq lymphoblastoid silent region 2977; plus strand). Cytogenetic location: 10q26.3.
Variant type: single nucleotide variant.
Coding change: c.19C>T on transcript NM_004092.4 (MANE Select); coding-DNA position 19, C replaced by T.
Protein change: p.Leu7=; no amino-acid change (leucine 7 retained).
Molecular consequence: synonymous variant.
Genome position (GRCh38, 1-based): chr10:133,373,315, G>A on the plus strand (C>T on the coding strand, the complement: ECHS1 is on the minus strand). VCF-style: chr10-133373315-G-A. GRCh37 (hg19) VCF-style: chr10-135186819-G-A.
Other names: c.19C>T (NM_004092.3).
Identifiers: ClinVar variation 1653051 (VCV001653051.10), dbSNP rs372816008, ClinGen allele CA5765917.

ClinVar aggregate classification (germline): Likely benign. Review status: criteria provided, single submitter (1 of 4 stars). 2 submissions from 2 submitters: Likely benign (1). 1 of the submissions does not count toward it. Last evaluated 2025-09-10.

Conditions:
ECHS1-related disorder. Also called: ECHS1-related condition.

Allele frequency attached by ClinVar (database versions not stated): gnomAD exomes 0.00003; ESP Exome Variant Server 0.00008; TOPMed 0.00012; gnomAD 0.00015 and 0.00017.

Submissions (2):

Labcorp Genetics (formerly Invitae), Labcorp
Classification: Likely benign. Last evaluated: 2025-09-10. Review status: criteria provided, single submitter. Criteria: Invitae Variant Classification Sherloc (09022015). Collection method: clinical testing. Allele origin: germline.

PreventionGenetics, part of Exact Sciences
Classification: Likely benign for ECHS1-related condition. Last evaluated: 2020-03-12. Review status: no assertion criteria provided. Collection method: clinical testing. Allele origin: germline. Not counted in ClinVar's aggregate classification.
Comment: This variant is classified as likely benign based on ACMG/AMP sequence variant interpretation guidelines (Richards et al. 2015 PMID: 25741868, with internal and published modifications).